The following is an entry in ClinVar:

ClinVar aggregate classification (germline): Uncertain significance (1 of 4 stars; one submission).

Conditions:
Nemaline myopathy 6 (NEM6). Also called: Nemaline myopathy 6, autosomal dominant. Identifiers: Orphanet 171439, MedGen C1836472, MONDO:0012237, OMIM 609273.

Allele frequency attached by ClinVar (database versions not stated): TOPMed 0.00002.

Submission:

Labcorp Genetics (formerly Invitae), Labcorp
Classification: Uncertain significance for Nemaline myopathy 6. Last evaluated: 2022-06-04. Review status: criteria provided, single submitter. Criteria: Invitae Variant Classification Sherloc (09022015). Collection method: clinical testing. Allele origin: germline.
Comment: This sequence change replaces serine, which is neutral and polar, with tryptophan, which is neutral and slightly polar, at codon 174 of the KBTBD13 protein (p.Ser174Trp). This variant is present in population databases (no rsID available, gnomAD 0.009%). This variant has not been reported in the literature in individuals affected with KBTBD13-related conditions. ClinVar contains an entry for this variant (Variation ID: 657290). Algorithms developed to predict the effect of missense changes on protein structure and function are either unavailable or do not agree on the potential impact of this missense change (SIFT: "Tolerated"; PolyPhen-2: "Possibly Damaging"; Align-GVGD: "Class C0"). In summary, the available evidence is currently insufficient to determine the role of this variant in disease. Therefore, it has been classified as a Variant of Uncertain Significance.

NM_001101362.3(KBTBD13):c.521C>G (p.Ser174Trp)

Gene: KBTBD13 (kelch repeat and BTB domain containing 13; plus strand). Cytogenetic location: 15q22.31.
Variant type: single nucleotide variant.
Coding change: c.521C>G on transcript NM_001101362.3 (MANE Select); coding-DNA position 521, C replaced by G.
Protein change: p.Ser174Trp; replaces serine 174 with tryptophan.
Molecular consequence: missense variant.
Genome position (GRCh38, 1-based): chr15:65,077,336, C>G. VCF-style: chr15-65077336-C-G. GRCh37 (hg19) VCF-style: chr15-65369674-C-G.
Other names: short protein forms S174W.
Identifiers: ClinVar variation 657290 (VCV000657290.8), dbSNP rs772025364, ClinGen allele CA392861298.